The following is an entry in ClinVar:

ClinVar aggregate classification (germline): Pathogenic (1 of 4 stars; one submission).

Conditions:
Autosomal recessive limb-girdle muscular dystrophy type 2D (LGMDR3). Also called: DUCHENNE-LIKE AUTOSOMAL RECESSIVE MUSCULAR DYSTROPHY, TYPE 2; ADHALINOPATHY, PRIMARY; MUSCULAR DYSTROPHY, LIMB-GIRDLE, AUTOSOMAL RECESSIVE 3. Identifiers: Orphanet 62, MedGen C2936332, MONDO:0011968, OMIM 608099. Disease mechanism: Affects gamma-sarcoglycan and also disrupts the integrity of the entire sarcoglycan complex..

Submission:

Labcorp Genetics (formerly Invitae), Labcorp
Classification: Pathogenic for Autosomal recessive limb-girdle muscular dystrophy type 2D. Last evaluated: 2022-08-16. Review status: criteria provided, single submitter. Criteria: Invitae Variant Classification Sherloc (09022015). Collection method: clinical testing. Allele origin: germline.
Comment: For these reasons, this variant has been classified as Pathogenic. Algorithms developed to predict the effect of missense changes on protein structure and function are either unavailable or do not agree on the potential impact of this missense change (SIFT: "Deleterious"; PolyPhen-2: "Probably Damaging"; Align-GVGD: "Class C0"). ClinVar contains an entry for this variant (Variation ID: 857216). This missense change has been observed in individual(s) with clinical features of limb-girdle muscular dystrophy (Invitae). In at least one individual the data is consistent with being in trans (on the opposite chromosome) from a pathogenic variant. It has also been observed to segregate with disease in related individuals. This variant is not present in population databases (gnomAD no frequency). This sequence change replaces leucine, which is neutral and non-polar, with arginine, which is basic and polar, at codon 302 of the SGCA protein (p.Leu302Arg).

NM_000023.4(SGCA):c.905T>G (p.Leu302Arg)

Gene: SGCA (sarcoglycan alpha; plus strand). Cytogenetic location: 17q21.33.
Variant type: single nucleotide variant.
Coding change: c.905T>G on transcript NM_000023.4 (MANE Select); coding-DNA position 905, T replaced by G.
Protein change: p.Leu302Arg; replaces leucine 302 with arginine.
Molecular consequence: missense variant. On other transcripts: intron variant (1).
Genome position (GRCh38, 1-based): chr17:50,170,300, T>G. VCF-style: chr17-50170300-T-G. GRCh37 (hg19) VCF-style: chr17-48247661-T-G.
Other names: c.585-340T>G (NM_001135697.3); short protein forms L302R.
Identifiers: ClinVar variation 857216 (VCV000857216.10), dbSNP rs760989961, ClinGen allele CA400182212.